The following is an entry in ClinVar:

NM_020738.4(KIDINS220):c.2164C>T (p.Gln722Ter)

Gene: KIDINS220 (kinase D interacting substrate 220; minus strand). Cytogenetic location: 2p25.1.
Variant type: single nucleotide variant.
Coding change: c.2164C>T on transcript NM_020738.4 (MANE Select); coding-DNA position 2164, C replaced by T.
Protein change: p.Gln722Ter; replaces glutamine 722 with a stop codon.
Molecular consequence: nonsense. On other transcripts: non-coding transcript variant (2).
Genome position (GRCh38, 1-based): chr2:8,785,806, G>A on the plus strand (C>T on the coding strand, the complement: KIDINS220 is on the minus strand). VCF-style: chr2-8785806-G-A. GRCh37 (hg19) VCF-style: chr2-8925936-G-A.
Other names: c.2167C>T, p.Gln723Ter (NM_001348729.2, NM_001348731.2, NM_001348734.2 and 3 more transcripts); c.2164C>T, p.Gln722Ter (NM_001348732.2, NM_001348735.2, NM_001348738.2 and 3 more transcripts); c.2038C>T, p.Gln680Ter (NM_001348736.2); short protein forms Q680*, Q722*, Q723*.
Identifiers: ClinVar variation 1708094 (VCV001708094.1), dbSNP rs1672318949, ClinGen allele CA345763304.

ClinVar aggregate classification (germline): Uncertain significance (1 of 4 stars; one submission).

Conditions:
Spastic paraplegia, intellectual disability, nystagmus, and obesity. Also called: Spastic paraplegia, intellectual disability, nystagmus, and obesity;. Identifiers: Orphanet 521390, MedGen C4284592, MONDO:0015007, OMIM 617296.

Submission:

Laboratory of Medical Genetics, National & Kapodistrian University of Athens
Classification: Uncertain significance for Spastic paraplegia, intellectual disability, nystagmus, and obesity. Last evaluated: 2022-03-04. Review status: criteria provided, single submitter. Criteria: ACMG Guidelines, 2015. Collection method: clinical testing. Allele origin: germline. Affected: yes.
Comment: PVS1_moderate, PM2